The following is an entry in ClinVar:

ClinVar aggregate classification (germline): Pathogenic (1 of 4 stars; one submission).

Conditions:
Hereditary nonpolyposis colorectal neoplasms. Identifiers: MedGen C0009405, MeSH D003123.

Submission:

Labcorp Genetics (formerly Invitae), Labcorp
Classification: Pathogenic for Hereditary nonpolyposis colon cancer. Last evaluated: 2019-02-27. Review status: criteria provided, single submitter. Criteria: Invitae Variant Classification Sherloc (09022015). Collection method: clinical testing. Allele origin: germline.
Comment: This sequence change creates a premature translational stop signal (p.Lys888Alafs*11) in the MSH6 gene. It is expected to result in an absent or disrupted protein product. This variant is not present in population databases (ExAC no frequency). This variant has not been reported in the literature in individuals with MSH6-related conditions. Loss-of-function variants in MSH6 are known to be pathogenic (PMID: 18269114, 24362816). For these reasons, this variant has been classified as Pathogenic.

NM_000179.3(MSH6):c.2662_2663del (p.Lys888fs)

Gene: MSH6 (mutS homolog 6; plus strand). Cytogenetic location: 2p16.3.
Variant type: Deletion.
Coding change: c.2662_2663del on transcript NM_000179.3 (MANE Select); coding-DNA positions 2662 to 2663, 2 bases deleted (AA; older notation c.2662_2663delAA).
Protein change: p.Lys888fs; shifts the reading frame from lysine 888.
Molecular consequence: frameshift variant.
Genome position (GRCh38, 1-based): chr2:47,800,645-47,800,646, AA deleted. VCF-style (leftmost placement, unchanged base first): chr2-47800644-TAA-T. GRCh37 (hg19) VCF-style: chr2-48027783-TAA-T.
Other names: c.2272_2273del, p.Lys758fs (NM_001281492.2); c.1756_1757del, p.Lys586fs (NM_001281493.2, NM_001281494.2); short protein forms K586fs, K888fs, K758fs.
Identifiers: ClinVar variation 863729 (VCV000863729.1), dbSNP rs1669493890, ClinGen allele CA916080040.